The following is an entry in ClinVar:

NM_001360016.2(G6PD):c.120+7A>C

Genes: G6PD (glucose-6-phosphate dehydrogenase; minus strand), IKBKG (inhibitor of nuclear factor kappa B kinase regulatory subunit gamma; plus strand). Cytogenetic location: Xq28.
Variant type: single nucleotide variant.
Coding change: c.120+7A>C on transcript NM_001360016.2 (MANE Select); 7 bases into the intron after coding-DNA position 120, A replaced by C.
Molecular consequence: intron variant.
Genome position (GRCh38, 1-based): chrX:154,546,029, T>G on the plus strand (A>C on the coding strand, the complement: G6PD is on the minus strand). VCF-style: chrX-154546029-T-G. GRCh37 (hg19) VCF-style: chrX-153774244-T-G.
Other names: p.?; c.210+7A>C (NM_000402.4); c.120+7A>C (NM_001042351.3); c.-16+4638T>G (NM_001377312.1, NM_001377313.1); c.189+3577T>G (NM_001099856.6); c.-16+3642T>G (NM_001321396.3).
Identifiers: ClinVar variation 368103 (VCV000368103.17), dbSNP rs369904290, ClinGen allele CA10566377.

ClinVar aggregate classification (germline): Conflicting classifications of pathogenicity. Review status: criteria provided, conflicting classifications (1 of 4 stars). 4 submissions from 4 submitters: Uncertain significance (1); Benign (2); Likely benign (1). Last evaluated 2026-01-28.

Conditions:
G6PD deficiency. Also called: G6PD A-. Identifiers: MedGen C2939465, MONDO:0005775.
Anemia, nonspherocytic hemolytic, due to G6PD deficiency (CNSHA1). Also called: Hemolytic anemia due to G6PD deficiency; Class I glucose-6-phosphate dehydrogenase deficiency; Favism, susceptibility to; ANEMIA, CONGENITAL, NONSPHEROCYTIC HEMOLYTIC, 1. Identifiers: Orphanet 466026, MedGen C2720289, MONDO:0010480, OMIM 300908.

Allele frequency attached by ClinVar (database versions not stated): TOPMed 0.00010; gnomAD 0.00103 and 0.00008; gnomAD exomes 0.00426; ESP Exome Variant Server 0.00028; 1000 Genomes Project 30x 0.00708; ExAC 0.00463; 1000 Genomes Project 0.00689.
gnomAD v4.1: 2,287 of 1,207,809 alleles (0.19%); highest among the groups gnomAD compares: South Asian, 3.8%; 28 homozygotes.

Submissions (4):

Labcorp Genetics (formerly Invitae), Labcorp
Classification: Benign for Anemia, nonspherocytic hemolytic, due to G6PD deficiency. Last evaluated: 2026-01-28. Review status: criteria provided, single submitter. Criteria: Invitae Variant Classification Sherloc (09022015). Collection method: clinical testing. Allele origin: germline.

Blueprint Genetics
Classification: Likely benign. Last evaluated: 2024-11-22. Review status: criteria provided, single submitter. Criteria: ACMG Guidelines, 2015. Collection method: clinical testing. Allele origin: germline.

Mayo Clinic Laboratories, Mayo Clinic
Classification: Benign. Last evaluated: 2022-07-26. Review status: criteria provided, single submitter. Criteria: ACMG Guidelines, 2015. Collection method: clinical testing. Allele origin: germline. Observed: 7 variant alleles.
Comment: BS1, BS2, BP4, BP7

Illumina Laboratory Services, Illumina
Classification: Uncertain significance for Glucose 6 phosphate dehydrogenase deficiency. Last evaluated: 2018-01-13. Review status: criteria provided, single submitter. Criteria: ICSL Variant Classification Criteria 13 December 2019. Collection method: clinical testing. Allele origin: germline.